The following is an entry in ClinVar:

ClinVar aggregate classification (germline): Conflicting classifications of pathogenicity. Review status: criteria provided, conflicting classifications (1 of 4 stars). 2 submissions from 2 submitters: Uncertain significance (1); Likely benign (1). Last evaluated 2017-04-16.

Conditions:
Myofibrillar myopathy 4. Also called: Zaspopathy (type). Identifiers: Orphanet 98912, MedGen C4721886, MONDO:0012277, OMIM 609452.

Submissions (2):

Labcorp Genetics (formerly Invitae), Labcorp
Classification: Uncertain significance for Myofibrillar myopathy 4. Last evaluated: 2017-04-16. Review status: criteria provided, single submitter. Criteria: Invitae Variant Classification Sherloc (09022015). Collection method: clinical testing. Allele origin: germline.
Comment: This sequence change replaces valine with alanine at codon 96 of the LDB3 protein (p.Val96Ala). The valine residue is weakly conserved and there is a small physicochemical difference between valine and alanine. This variant is not present in population databases (ExAC no frequency) and has not been reported in the literature in individuals with a LDB3-related disease. ClinVar contains an entry for this variant (Variation ID: 201834). Algorithms developed to predict the effect of missense changes on protein structure and function (SIFT, PolyPhen-2, Align-GVGD) all suggest that this variant is likely to be tolerated, but these predictions have not been confirmed by published functional studies. In summary, this variant is a rare missense change that is not predicted to affect protein function. There is no indication that it causes disease, but the available evidence is currently insufficient to prove that conclusively. Therefore, it has been classified as a Variant of Uncertain Significance.

GeneDx
Classification: Likely benign. Last evaluated: 2014-04-22. Review status: criteria provided, single submitter. Criteria: GeneDx Variant Classification (06012015). Collection method: clinical testing. Allele origin: germline. Affected: yes.
Comment: This variant is considered likely benign or benign based on one or more of the following criteria: it is a conservative change, it occurs at a poorly conserved position in the protein, it is predicted to be benign by multiple in silico algorithms, and/or has population frequency not consistent with disease.

NM_007078.3(LDB3):c.287T>C (p.Val96Ala)

Gene: LDB3 (LIM domain binding 3; plus strand). Cytogenetic location: 10q23.2.
Variant type: single nucleotide variant.
Coding change: c.287T>C on transcript NM_007078.3 (MANE Select); coding-DNA position 287, T replaced by C.
Protein change: p.Val96Ala; replaces valine 96 with alanine.
Molecular consequence: missense variant.
Genome position (GRCh38, 1-based): chr10:86,680,123, T>C. VCF-style: chr10-86680123-T-C. GRCh37 (hg19) VCF-style: chr10-88439880-T-C.
Other names: p.V96A:GTC>GCC; c.287T>C, p.Val96Ala (NM_001080116.1, NM_001080114.2, NM_001080115.2 and 8 more transcripts); short protein forms V96A.
Identifiers: ClinVar variation 201834 (VCV000201834.9), dbSNP rs794729056, ClinGen allele CA308586.